The following is an entry in ClinVar:

NM_199355.4(ADAMTS18):c.1032C>G (p.Ser344Arg)

Gene: ADAMTS18 (ADAM metallopeptidase with thrombospondin type 1 motif 18; minus strand). Cytogenetic location: 16q23.1.
Variant type: single nucleotide variant.
Coding change: c.1032C>G on transcript NM_199355.4 (MANE Select); coding-DNA position 1032, C replaced by G.
Protein change: p.Ser344Arg; replaces serine 344 with arginine.
Molecular consequence: missense variant.
Genome position (GRCh38, 1-based): chr16:77,363,826, G>C on the plus strand (C>G on the coding strand, the complement: ADAMTS18 is on the minus strand). VCF-style: chr16-77363826-G-C. GRCh37 (hg19) VCF-style: chr16-77397723-G-C.
Other names: c.516C>G, p.Ser172Arg (NM_001326358.2); short protein forms S172R, S344R.
Identifiers: ClinVar variation 1962800 (VCV001962800.3), dbSNP rs369287815, ClinGen allele CA8181472.
Genomic context (GRCh38, chr16:77,363,826, plus strand): 5'-GACTGAATGAAGACATAAATGAAGTTTGCCACTTACAGGTTCTTGTTCCAGAAGAATTAG[G>C]CTCACCACAACCACGTTTATGTCACTTCCAATAGTCCCATCTTTAAATAGGCCAGAAACC-3'
Protein context (NP_955387.1, residues 334-354): IGSDINVVVV[Ser344Arg]LILLEQEPGG

ClinVar aggregate classification (germline): Uncertain significance. Review status: criteria provided, multiple submitters, no conflicts (2 of 4 stars). 2 submissions from 2 submitters: Uncertain significance (2). Last evaluated 2022-06-22.

gnomAD v4.1: 8 of 1,613,904 alleles (0.0005%); highest among the groups gnomAD compares: Admixed American, 0.01%; no homozygotes.

Submissions (2):

Labcorp Genetics (formerly Invitae), Labcorp
Classification: Uncertain significance. Last evaluated: 2022-06-22. Review status: criteria provided, single submitter. Criteria: Invitae Variant Classification Sherloc (09022015). Collection method: clinical testing. Allele origin: germline.
Comment: This sequence change replaces serine, which is neutral and polar, with arginine, which is basic and polar, at codon 344 of the ADAMTS18 protein (p.Ser344Arg). This variant is present in population databases (rs369287815, gnomAD 0.02%). This variant has not been reported in the literature in individuals affected with ADAMTS18-related conditions. Algorithms developed to predict the effect of missense changes on protein structure and function are either unavailable or do not agree on the potential impact of this missense change (SIFT: "Not Available"; PolyPhen-2: "Possibly Damaging"; Align-GVGD: "Not Available"). In summary, the available evidence is currently insufficient to determine the role of this variant in disease. Therefore, it has been classified as a Variant of Uncertain Significance.

Blueprint Genetics
Classification: Uncertain significance. Last evaluated: 2019-07-21. Review status: criteria provided, single submitter. Criteria: ACMG Guidelines, 2015. Collection method: clinical testing. Allele origin: germline.